The following is an entry in ClinVar:

NM_012096.3(APPL1):c.1775G>A (p.Ser592Asn)

Gene: APPL1 (adaptor protein, phosphotyrosine interacting with PH domain and leucine zipper 1; plus strand). Cytogenetic location: 3p14.3.
Variant type: single nucleotide variant.
Coding change: c.1775G>A on transcript NM_012096.3 (MANE Select); coding-DNA position 1775, G replaced by A.
Protein change: p.Ser592Asn; replaces serine 592 with asparagine.
Molecular consequence: missense variant.
Genome position (GRCh38, 1-based): chr3:57,260,707, G>A. VCF-style: chr3-57260707-G-A. GRCh37 (hg19) VCF-style: chr3-57294735-G-A.
Other names: short protein forms S592N.
Identifiers: ClinVar variation 1971481 (VCV001971481.5), dbSNP rs2528810591, ClinGen allele CA353301356.

ClinVar aggregate classification (germline): Uncertain significance (1 of 4 stars; one submission).

Submission:

Labcorp Genetics (formerly Invitae), Labcorp
Classification: Uncertain significance. Last evaluated: 2024-11-11. Review status: criteria provided, single submitter. Criteria: Invitae Variant Classification Sherloc (09022015). Collection method: clinical testing. Allele origin: germline.
Comment: This sequence change replaces serine, which is neutral and polar, with asparagine, which is neutral and polar, at codon 592 of the APPL1 protein (p.Ser592Asn). This variant is not present in population databases (gnomAD no frequency). This variant has not been reported in the literature in individuals affected with APPL1-related conditions. ClinVar contains an entry for this variant (Variation ID: 1971481). Invitae Evidence Modeling of protein sequence and biophysical properties (such as structural, functional, and spatial information, amino acid conservation, physicochemical variation, residue mobility, and thermodynamic stability) indicates that this missense variant is not expected to disrupt APPL1 protein function with a negative predictive value of 80%. In summary, the available evidence is currently insufficient to determine the role of this variant in disease. Therefore, it has been classified as a Variant of Uncertain Significance.